The following is an entry in ClinVar:

NC_000007.14:g.156764013A>T

Genes: LMBR1 (limb development membrane protein 1; minus strand), SHH (sonic hedgehog signaling molecule; minus strand). Cytogenetic location: 7q36.3.
Variant type: single nucleotide variant.
Molecular consequence: intron variant (on NM_022458.4).
Genome position: GRCh38 VCF-style: chr7-156764013-A-T. GRCh37 (hg19) VCF-style: chr7-156556707-A-T.
Other names: c.361-218T>A (NM_001363412.2); c.145-218T>A (NM_001350954.2); c.424-218T>A (NM_001363410.2, NM_022458.4, NM_001363409.2 and 1 more transcripts); c.-33-218T>A (NM_001350958.2, NM_001350956.2, NM_001350955.2 and 1 more transcripts); c.55-218T>A (NM_001350957.2, NM_001363411.2).
Identifiers: ClinVar variation 2875218 (VCV002875218.3), dbSNP rs981112071, ClinGen allele CA169820350.

ClinVar aggregate classification (germline): Uncertain significance (1 of 4 stars; one submission).

Conditions:
Holoprosencephaly 3 (HPE3). Identifiers: Orphanet 2162, MedGen C1840529, MONDO:0007733, OMIM 142945.

Allele frequency attached by ClinVar (database versions not stated): gnomAD 0.00001; TOPMed 0.00001.
gnomAD v4.1: 1 of 152,198 alleles (0.00066%); highest among the groups gnomAD compares: African/African-American, 0.0024%; no homozygotes.

Submission:

Labcorp Genetics (formerly Invitae), Labcorp
Classification: Uncertain significance for Holoprosencephaly 3. Last evaluated: 2022-11-03. Review status: criteria provided, single submitter. Criteria: Invitae Variant Classification Sherloc (09022015). Collection method: clinical testing. Allele origin: germline.
Comment: In summary, the available evidence is currently insufficient to determine the role of this variant in disease. Therefore, it has been classified as a Variant of Uncertain Significance. Experimental studies and prediction algorithms are not available or were not evaluated, and the functional significance of this variant is currently unknown. This variant has not been reported in the literature in individuals affected with SHH-related conditions. This variant is not present in population databases (gnomAD no frequency). This variant occurs in a non-coding region of the SHH gene. It does not change the encoded amino acid sequence of the SHH protein.